The following is an entry in ClinVar:

NM_004840.3(ARHGEF6):c.2152G>A (p.Val718Ile)

Gene: ARHGEF6 (Rac/Cdc42 guanine nucleotide exchange factor 6; minus strand). Cytogenetic location: Xq26.3.
Variant type: single nucleotide variant.
Coding change: c.2152G>A on transcript NM_004840.3 (MANE Select); coding-DNA position 2152, G replaced by A.
Protein change: p.Val718Ile; replaces valine 718 with isoleucine.
Molecular consequence: missense variant.
Genome position (GRCh38, 1-based): chrX:136,669,520, C>T on the plus strand (G>A on the coding strand, the complement: ARHGEF6 is on the minus strand). VCF-style: chrX-136669520-C-T. GRCh37 (hg19) VCF-style: chrX-135751679-C-T.
Other names: c.1690G>A, p.Val564Ile (NM_001306177.2); short protein forms V564I, V718I.
Identifiers: ClinVar variation 1301873 (VCV001301873.1), dbSNP rs2076200444, ClinGen allele CA414757830.

ClinVar aggregate classification (germline): Uncertain significance (1 of 4 stars; one submission).

Allele frequency attached by ClinVar (database versions not stated): TOPMed 0.00001.

Submission:

Rady Children's Institute for Genomic Medicine, Rady Children's Hospital San Diego
Classification: Uncertain significance. Review status: criteria provided, single submitter. Criteria: ACMG Guidelines, 2015. Collection method: clinical testing. Allele origin: germline. Affected: yes. Study: CSER-NYCKidSeq.
Comment: This variant has not been previously reported or functionally characterized in the literature to our knowledge. It is absent from the gnomAD population database and thus is presumed to be rare. In silico tools used to predict the effect of this variant on protein function yield discordant results. Based on the available evidence, the c.2152G>A (p.Val718Ile) variant is classified as a Variant of Uncertain Significance.